The following is an entry in ClinVar:

NM_012144.4(DNAI1):c.1289_1310dup (p.Val438fs)

Gene: DNAI1 (dynein axonemal intermediate chain 1; plus strand). Cytogenetic location: 9p13.3.
Variant type: Duplication.
Coding change: c.1289_1310dup on transcript NM_012144.4 (MANE Select); coding-DNA positions 1289 to 1310, 22 bases duplicated (AGCACTCAGACCCTGTGTGGCA).
Protein change: p.Val438fs; shifts the reading frame from valine 438.
Molecular consequence: frameshift variant.
Genome position (GRCh38, 1-based): chr9:34,506,852-34,506,873, AGCACTCAGACCCTGTGTGGCA duplicated; duplicating any 22 consecutive bases within chr9:34,506,847-34,506,873 gives the same sequence; the c. name uses the placement nearest the transcript's 3' end. VCF-style (leftmost placement, unchanged base first): chr9-34506846-C-CTGGCAAGCACTCAGACCCTGTG. GRCh37 (hg19) VCF-style: chr9-34506844-C-CTGGCAAGCACTCAGACCCTGTG.
Other names: c.1301_1322dup, p.Val442fs (NM_001281428.2); short protein forms V438fs, V442fs.
Identifiers: ClinVar variation 2136544 (VCV002136544.4), dbSNP rs2492096457, ClinGen allele CA2580080368.

ClinVar aggregate classification (germline): Pathogenic (1 of 4 stars; one submission).

Conditions:
Primary ciliary dyskinesia. Also called: Ciliary dyskinesia. Identifiers: Orphanet 244, MedGen C0008780, MONDO:0016575, HP:0012265.

Submission:

Labcorp Genetics (formerly Invitae), Labcorp
Classification: Pathogenic for Primary ciliary dyskinesia. Last evaluated: 2022-10-03. Review status: criteria provided, single submitter. Criteria: Invitae Variant Classification Sherloc (09022015). Collection method: clinical testing. Allele origin: germline.
Comment: For these reasons, this variant has been classified as Pathogenic. This variant has not been reported in the literature in individuals affected with DNAI1-related conditions. This variant is not present in population databases (gnomAD no frequency). This sequence change creates a premature translational stop signal (p.Val438Alafs*14) in the DNAI1 gene. It is expected to result in an absent or disrupted protein product. Loss-of-function variants in DNAI1 are known to be pathogenic (PMID: 16858015, 29363216).

Literature cited by the submitters: PubMed 16858015; PubMed 29363216.